The following is an entry in ClinVar:

NM_003872.3(NRP2):c.55C>G (p.Gln19Glu)

Gene: NRP2 (neuropilin 2; plus strand). Cytogenetic location: 2q33.3.
Variant type: single nucleotide variant.
Coding change: c.55C>G on transcript NM_003872.3 (MANE Select); coding-DNA position 55, C replaced by G.
Protein change: p.Gln19Glu; replaces glutamine 19 with glutamic acid.
Molecular consequence: missense variant.
Genome position (GRCh38, 1-based): chr2:205,683,345, C>G. VCF-style: chr2-205683345-C-G. GRCh37 (hg19) VCF-style: chr2-206548069-C-G.
Other names: c.55C>G, p.Gln19Glu (NM_018534.4, NM_201264.2, NM_201266.2 and 2 more transcripts); short protein forms Q19E.
Identifiers: ClinVar variation 2381496 (VCV002381496.4), dbSNP rs145169333, ClinGen allele CA2068666.

ClinVar aggregate classification (germline): Likely benign. Review status: criteria provided, single submitter (1 of 4 stars). 2 submissions from 2 submitters: Likely benign (1). 1 of the submissions does not count toward it. Last evaluated 2022-02-03.

Conditions:
NRP2-related disorder. Also called: NRP2-related condition.

Allele frequency attached by ClinVar (database versions not stated): gnomAD 0.00003; TOPMed 0.00003; ExAC 0.00006; ESP Exome Variant Server 0.00008.
gnomAD v4.1: 77 of 1,613,364 alleles (0.0048%); highest among the groups gnomAD compares: Middle Eastern, 0.16%; no homozygotes.

Submissions (2):

Ambry Genetics
Classification: Likely benign. Last evaluated: 2022-02-03. Review status: criteria provided, single submitter. Criteria: Ambry Variant Classification Scheme 2023. Collection method: clinical testing. Allele origin: germline.

PreventionGenetics, part of Exact Sciences
Classification: Uncertain significance for NRP2-related condition. Last evaluated: 2023-12-12. Review status: no assertion criteria provided. Collection method: clinical testing. Allele origin: germline. Not counted in ClinVar's aggregate classification.
Comment: The NRP2 c.55C>G variant is predicted to result in the amino acid substitution p.Gln19Glu. To our knowledge, this variant has not been reported in the literature. This variant is reported in 0.0087% of alleles in individuals of Latino descent in gnomAD. At this time, the clinical significance of this variant is uncertain due to the absence of conclusive functional and genetic evidence.